The following is an entry in ClinVar:

ClinVar aggregate classification (germline): Pathogenic/Likely pathogenic. Review status: criteria provided, multiple submitters, no conflicts (2 of 4 stars). 4 submissions from 4 submitters: Pathogenic (2); Likely pathogenic (2). Last evaluated 2024-06-25.

Conditions:
Cholestanol storage disease (CTX). Also called: CTX: Cerebrotendinous xanthomatosis; CEREBRAL CHOLESTERINOSIS; Cerebrotendinous Xanthomatosis. Identifiers: Orphanet 909, MedGen C0238052, MONDO:0008948, OMIM 213700.

Submissions (4):

Fulgent Genetics
Classification: Likely pathogenic for Cholestanol storage disease. Last evaluated: 2024-06-25. Review status: criteria provided, single submitter. Criteria: ACMG Guidelines, 2015. Collection method: clinical testing. Allele origin: germline.

Natera, Inc.
Classification: Likely pathogenic for Cerebrotendinous xanthomatosis. Last evaluated: 2024-02-24. Review status: criteria provided, single submitter. Criteria: Natera Variant Classification Schema (03/2026). Collection method: clinical testing. Allele origin: germline.
Comment: The c.753_754delAC variant in CYP27A1 is a frameshift variant predicted to shift the reading frame beginning at codon 253 and leads to a stop codon 34 codons downstream. This variant is expected to result in nonsense mediated decay, truncation, or a dysfunctional protein product. This variant is rare in the general population with a frequency below the threshold expected for the associated phenotype(s). Given the available evidence, this variant is classified as Likely Pathogenic.

Baylor Genetics
Classification: Pathogenic for Cholestanol storage disease. Last evaluated: 2023-05-27. Review status: criteria provided, single submitter. Criteria: ACMG Guidelines, 2015. Collection method: clinical testing. Allele origin: unknown.

Labcorp Genetics (formerly Invitae), Labcorp
Classification: Pathogenic for Cholestanol storage disease. Last evaluated: 2022-11-15. Review status: criteria provided, single submitter. Criteria: Invitae Variant Classification Sherloc (09022015). Collection method: clinical testing. Allele origin: germline.
Comment: ClinVar contains an entry for this variant (Variation ID: 1455620). For these reasons, this variant has been classified as Pathogenic. Algorithms developed to predict the effect of sequence changes on RNA splicing suggest that this variant may disrupt the consensus splice site. This variant has not been reported in the literature in individuals affected with CYP27A1-related conditions. This variant is not present in population databases (gnomAD no frequency). This sequence change creates a premature translational stop signal (p.Tyr253Cysfs*34) in the CYP27A1 gene. It is expected to result in an absent or disrupted protein product. Loss-of-function variants in CYP27A1 are known to be pathogenic (PMID: 9392430, 10775536, 26937392).

Literature cited by the submitters: PubMed 9392430 (cited by Labcorp Genetics (formerly Invitae), Labcorp); PubMed 10775536 (cited by Labcorp Genetics (formerly Invitae), Labcorp); PubMed 26937392 (cited by Labcorp Genetics (formerly Invitae), Labcorp).

NM_000784.4(CYP27A1):c.753_754del (p.Tyr253fs)

Gene: CYP27A1 (cytochrome P450 family 27 subfamily A member 1; plus strand). Cytogenetic location: 2q35.
Variant type: Deletion.
Coding change: c.753_754del on transcript NM_000784.4 (MANE Select); coding-DNA positions 753 to 754, 2 bases deleted (AC; older notation c.753_754delAC).
Protein change: p.Tyr253fs; shifts the reading frame from tyrosine 253.
Molecular consequence: frameshift variant.
Genome position (GRCh38, 1-based): chr2:218,812,658-218,812,659, AC deleted; deleting any 2 consecutive bases within chr2:218,812,657-218,812,659 gives the same sequence; the c. name uses the placement nearest the transcript's 3' end. VCF-style (leftmost placement, unchanged base first): chr2-218812656-TCA-T. GRCh37 (hg19) VCF-style: chr2-219677379-TCA-T.
Other names: short protein forms Y253fs.
Identifiers: ClinVar variation 1455620 (VCV001455620.9), dbSNP rs1559392634, ClinGen allele CA916778652.
Genomic context (GRCh38, chr2:218,812,656, plus strand): 5'-CGATCCATCCCCGAGGACACCGTGACCTTCGTCAGATCCATCGGGTTAATGTTCCAGAAC[TCA>T]CTCTATGCCACCTTCCTCCCCAAGTGGACTCGCCCCGTGCTGCCTTTCTGGAAGCGATAC-3'